The following is an entry in ClinVar:

ClinVar aggregate classification (germline): Uncertain significance. Review status: criteria provided, multiple submitters, no conflicts (2 of 4 stars). 2 submissions from 2 submitters: Uncertain significance (2). Last evaluated 2025-01-06.

Conditions:
Inborn genetic diseases. Identifiers: MedGen C0950123, MeSH D030342.

Allele frequency attached by ClinVar (database versions not stated): ExAC 0.00001; gnomAD exomes 0.00001.

Submissions (2):

Labcorp Genetics (formerly Invitae), Labcorp
Classification: Uncertain significance. Last evaluated: 2025-01-06. Review status: criteria provided, single submitter. Criteria: Invitae Variant Classification Sherloc (09022015). Collection method: clinical testing. Allele origin: germline.
Comment: This sequence change replaces methionine, which is neutral and non-polar, with leucine, which is neutral and non-polar, at codon 1601 of the CAD protein (p.Met1601Leu). This variant is present in population databases (rs769555859, gnomAD 0.003%). This variant has not been reported in the literature in individuals affected with CAD-related conditions. ClinVar contains an entry for this variant (Variation ID: 1495994). An algorithm developed to predict the effect of missense changes on protein structure and function (PolyPhen-2) suggests that this variant¬†is likely to be tolerated. In summary, the available evidence is currently insufficient to determine the role of this variant in disease. Therefore, it has been classified as a Variant of Uncertain Significance.

Ambry Genetics
Classification: Uncertain significance for Inborn genetic diseases. Last evaluated: 2022-06-21. Review status: criteria provided, single submitter. Criteria: Ambry Variant Classification Scheme 2023. Collection method: clinical testing. Allele origin: germline.

NM_004341.5(CAD):c.4801A>C (p.Met1601Leu)

Gene: CAD (carbamoyl-phosphate synthetase 2, aspartate transcarbamylase, and dihydroorotase; plus strand). Cytogenetic location: 2p23.3.
Variant type: single nucleotide variant.
Coding change: c.4801A>C on transcript NM_004341.5 (MANE Select); coding-DNA position 4801, A replaced by C.
Protein change: p.Met1601Leu; replaces methionine 1601 with leucine.
Molecular consequence: missense variant.
Genome position (GRCh38, 1-based): chr2:27,238,128, A>C. VCF-style: chr2-27238128-A-C. GRCh37 (hg19) VCF-style: chr2-27460996-A-C.
Other names: c.4612A>C, p.Met1538Leu (NM_001306079.2); c.4801A>C (NM_004341.3); short protein forms M1538L, M1601L.
Identifiers: ClinVar variation 1495994 (VCV001495994.7), dbSNP rs769555859, ClinGen allele CA1573665.